The following is an entry in ClinVar:

NM_000260.4(MYO7A):c.348_349insCCCA (p.Glu117fs)

Gene: MYO7A (myosin VIIA; plus strand). Cytogenetic location: 11q13.5.
Variant type: Insertion.
Coding change: c.348_349insCCCA on transcript NM_000260.4 (MANE Select); coding-DNA positions 348 to 349, CCCA inserted.
Protein change: p.Glu117fs; shifts the reading frame from glutamic acid 117.
Molecular consequence: frameshift variant.
Genome position: GRCh38 VCF-style: chr11-77155966-G-GCCAC. GRCh37 (hg19) VCF-style: chr11-76867012-G-GCCAC.
Other names: c.348_349insCCCA, p.Glu117fs (NM_001127180.2); c.315_316insCCCA, p.Glu106fs (NM_001369365.1); short protein forms E117fs, E106fs.
Identifiers: ClinVar variation 2037237 (VCV002037237.4), dbSNP rs2496729081, ClinGen allele CA2580084903.

ClinVar aggregate classification (germline): Pathogenic (1 of 4 stars; one submission).

Submission:

Labcorp Genetics (formerly Invitae), Labcorp
Classification: Pathogenic. Last evaluated: 2021-12-08. Review status: criteria provided, single submitter. Criteria: Invitae Variant Classification Sherloc (09022015). Collection method: clinical testing. Allele origin: germline.
Comment: For these reasons, this variant has been classified as Pathogenic. This sequence change creates a premature translational stop signal (p.Glu117Profs*24) in the MYO7A gene. It is expected to result in an absent or disrupted protein product. Loss-of-function variants in MYO7A are known to be pathogenic (PMID: 8900236, 25404053). This variant has not been reported in the literature in individuals affected with MYO7A-related conditions. This variant is not present in population databases (gnomAD no frequency).

Literature cited by the submitters: PubMed 8900236; PubMed 25404053.